The following is an entry in ClinVar:

ClinVar aggregate classification (germline): Uncertain significance (1 of 4 stars; one submission).

Conditions:
Hereditary cancer-predisposing syndrome. Also called: Neoplastic Syndromes, Hereditary; Hereditary Cancer Syndrome; Tumor predisposition; Hereditary neoplastic syndrome. Identifiers: Orphanet 140162, MedGen C0027672, MeSH D009386, MONDO:0015356.

Submission:

Ambry Genetics
Classification: Uncertain significance for Hereditary cancer-predisposing syndrome. Last evaluated: 2025-02-25. Review status: criteria provided, single submitter. Criteria: Ambry Variant Classification Scheme 2023. Collection method: clinical testing. Allele origin: germline.
Comment: The p.H132Y variant (also known as c.394C>T), located in coding exon 4 of the SDHB gene, results from a C to T substitution at nucleotide position 394. The histidine at codon 132 is replaced by tyrosine, an amino acid with similar properties. This amino acid position is highly conserved in available vertebrate species. In addition, this alteration is predicted to be deleterious by in silico analysis. Based on the available evidence, the clinical significance of this variant remains unclear.

NM_003000.3(SDHB):c.394C>T (p.His132Tyr)

Gene: SDHB (succinate dehydrogenase complex iron sulfur subunit B; minus strand). Cytogenetic location: 1p36.13.
Variant type: single nucleotide variant.
Coding change: c.394C>T on transcript NM_003000.3 (MANE Select); coding-DNA position 394, C replaced by T.
Protein change: p.His132Tyr; replaces histidine 132 with tyrosine.
Molecular consequence: missense variant. On other transcripts: intron variant (1).
Genome position (GRCh38, 1-based): chr1:17,028,629, G>A on the plus strand (C>T on the coding strand, the complement: SDHB is on the minus strand). VCF-style: chr1-17028629-G-A. GRCh37 (hg19) VCF-style: chr1-17355124-G-A.
Other names: c.369+25C>T (NM_001407361.1); short protein forms H132Y.
Identifiers: ClinVar variation 3793587 (VCV003793587.1).